The following is an entry in ClinVar:

NM_000092.5(COL4A4):c.3697G>C (p.Gly1233Arg)

Gene: COL4A4 (collagen type IV alpha 4 chain; minus strand). Cytogenetic location: 2q36.3.
Variant type: single nucleotide variant.
Coding change: c.3697G>C on transcript NM_000092.5 (MANE Select); coding-DNA position 3697, G replaced by C.
Protein change: p.Gly1233Arg; replaces glycine 1233 with arginine.
Molecular consequence: missense variant.
Genome position (GRCh38, 1-based): chr2:227,032,157, C>G on the plus strand (G>C on the coding strand, the complement: COL4A4 is on the minus strand). VCF-style: chr2-227032157-C-G. GRCh37 (hg19) VCF-style: chr2-227896873-C-G.
Other names: short protein forms G1233R.
Identifiers: ClinVar variation 3376830 (VCV003376830.2).

ClinVar aggregate classification (germline): Likely pathogenic. Review status: criteria provided, multiple submitters, no conflicts (2 of 4 stars). 2 submissions from 2 submitters: Likely pathogenic (2). Last evaluated 2025-03-24.

Conditions:
Autosomal recessive Alport syndrome (ATS2). Also called: COL4A4 Alport Syndrome and Thin Basement Membrane Nephropathy; ALPORT SYNDROME 2, AUTOSOMAL RECESSIVE; Alport syndrome type 2; COL4A3-Related Nephropathy. Identifiers: Orphanet 63, Orphanet 88919, MedGen C4746745, MONDO:0008762, OMIM 203780.
Alport syndrome. Also called: Hemorrhagic familial nephritis; Hemorrhagic hereditary nephritis; Congenital hereditary hematuria. Identifiers: Orphanet 63, MedGen C1567741, MONDO:0018965.

Submissions (2):

First Genomix Gene Laboratory, Genetic Diagnostics Department
Classification: Likely pathogenic for Autosomal recessive Alport syndrome. Last evaluated: 2025-03-24. Review status: criteria provided, single submitter. Criteria: ACMG Guidelines, 2015. Collection method: clinical testing. Allele origin: germline. Inheritance: Autosomal recessive inheritance. Affected: no. Observed: 1 variant allele.

Victorian Clinical Genetics Services, Murdoch Childrens Research Institute
Classification: Likely pathogenic for Alport syndrome. Last evaluated: 2023-12-21. Review status: criteria provided, single submitter. Criteria: ACMG Guidelines, 2015. Collection method: clinical testing. Allele origin: germline. Affected: yes.
Comment: Based on the classification scheme VCGS_Germline_v1.3.4, this variant is classified as Likely pathogenic. Following criteria are met: 0103 - Loss of function is a known mechanism of disease for this gene and is associated with Alport syndrome. Dominant negative is a suspected mechanism of disease for this gene as it is a structural protein (PMIDs: 12028435, 24046192). (I) 0108 - This gene is associated with both recessive and dominant disease. Alport syndrome typically has biallelic inheritance, although rare cases of monoallelic inheritance have been reported (PMID: 28704582). Thin basement membrane nephropathy (TBMN) and focal segmental glomerulosclerosis (FSGS) are associated with autosomal dominant inheritance (OMIM, PMIDs: 16467446, 17942953). (I) 0200 - Variant is predicted to result in a missense amino acid change from glycine to arginine. (I) 0251 - This variant is heterozygous. (I) 0301 - Variant is absent from gnomAD (both v2 and v3). (SP) 0501 - Missense variant consistently predicted to be damaging by multiple in silico tools or highly conserved with a major amino acid change. (SP) 0601 - Variant is located in the well-established functional Gly-X-Y motif and affects a glycine residue (DECIPHER). (SP) 0705 - No comparable missense variants have previous evidence for pathogenicity. (I) 0809 - Previous evidence of pathogenicity for this variant is inconclusive. This variant has been observed in three affected members of a family with Alport syndrome. However, all of these individuals were also heterozygous for a missense variant affecting a glycine residue in COL4A3 and therefore, there is some uncertainty around the contribution of this variant to their phenotype (PMID: 27859054). (I) 1007 - No published functional evidence has been identified for this variant. (I) 1208 - Inheritance information for this variant is not currently available in this individual. (I) Legend: (SP) - Supporting pathogenic, (I) - Information, (SB) - Supporting benign

Literature cited by the submitters: PubMed 12028435 (cited by Victorian Clinical Genetics Services, Murdoch Childrens Research Institute); PubMed 16467446 (cited by Victorian Clinical Genetics Services, Murdoch Childrens Research Institute); PubMed 17942953 (cited by Victorian Clinical Genetics Services, Murdoch Childrens Research Institute); PubMed 24046192 (cited by Victorian Clinical Genetics Services, Murdoch Childrens Research Institute); PubMed 27859054 (cited by Victorian Clinical Genetics Services, Murdoch Childrens Research Institute); PubMed 28704582 (cited by Victorian Clinical Genetics Services, Murdoch Childrens Research Institute).